The following is an entry in ClinVar:

ClinVar aggregate classification (germline): Uncertain significance. Review status: criteria provided, single submitter (1 of 4 stars). 2 submissions from 2 submitters: Uncertain significance (1). 1 of the submissions does not count toward it. Last evaluated 2018-01-12.

Conditions:
Miller syndrome (POADS). Also called: Genee-Wiedemann acrofacial dysostosis; GENEE-WIEDEMANN SYNDROME. Identifiers: Orphanet 246, MedGen C0265257, MONDO:0009903, OMIM 263750.
DHODH-related disorder. Also called: DHODH-related condition.

Allele frequency attached by ClinVar (database versions not stated): gnomAD exomes below 0.00001; TOPMed 0.00003.

Submissions (2):

Illumina Laboratory Services, Illumina
Classification: Uncertain significance for Miller syndrome. Last evaluated: 2018-01-12. Review status: criteria provided, single submitter. Criteria: ICSL Variant Classification Criteria 13 December 2019. Collection method: clinical testing. Allele origin: germline.

PreventionGenetics, part of Exact Sciences
Classification: Uncertain significance for DHODH-related condition. Last evaluated: 2024-07-03. Review status: no assertion criteria provided. Collection method: clinical testing. Allele origin: germline. Not counted in ClinVar's aggregate classification.
Comment: The DHODH c.505A>C variant is predicted to result in the amino acid substitution p.Lys169Gln. To our knowledge, this variant has not been reported in the literature or in a large population database, indicating this variant is rare. At this time, the clinical significance of this variant is uncertain due to the absence of conclusive functional and genetic evidence.

NM_001361.5(DHODH):c.505A>C (p.Lys169Gln)

Gene: DHODH (dihydroorotate dehydrogenase (quinone); plus strand). Cytogenetic location: 16q22.2.
Variant type: single nucleotide variant.
Coding change: c.505A>C on transcript NM_001361.5 (MANE Select); coding-DNA position 505, A replaced by C.
Protein change: p.Lys169Gln; replaces lysine 169 with glutamine.
Molecular consequence: missense variant.
Genome position (GRCh38, 1-based): chr16:72,017,094, A>C. VCF-style: chr16-72017094-A-C. GRCh37 (hg19) VCF-style: chr16-72050993-A-C.
Other names: short protein forms K169Q.
Identifiers: ClinVar variation 885402 (VCV000885402.5), dbSNP rs1243279715, ClinGen allele CA396681724.